The following is an entry in ClinVar:

NM_001360.3(DHCR7):c.1135G>T (p.Glu379Ter)

Gene: DHCR7 (7-dehydrocholesterol reductase; minus strand). Cytogenetic location: 11q13.4.
Variant type: single nucleotide variant.
Coding change: c.1135G>T on transcript NM_001360.3 (MANE Select); coding-DNA position 1135, G replaced by T.
Protein change: p.Glu379Ter; replaces glutamic acid 379 with a stop codon.
Molecular consequence: nonsense. On other transcripts: intron variant (3), synonymous variant (2), 3 prime UTR variant (1).
Genome position (GRCh38, 1-based): chr11:71,435,668, C>A on the plus strand (G>T on the coding strand, the complement: DHCR7 is on the minus strand). VCF-style: chr11-71435668-C-A. GRCh37 (hg19) VCF-style: chr11-71146714-C-A.
Other names: c.964-478G>T (NM_001425118.1); c.1135G>T, p.Glu379Ter (NM_001163817.2, NM_001425109.1, NM_001425110.1 and 1 more transcripts); c.1186G>T, p.Glu396Ter (NM_001425107.1); c.1171G>T, p.Glu391Ter (NM_001425108.1); c.1269G>T, p.Ser423= (NM_001425112.1); c.1075G>T, p.Glu359Ter (NM_001425113.1); c.1039G>T, p.Glu347Ter (NM_001425114.1); c.1173G>T, p.Ser391= (NM_001425116.1); and 4 more; short protein forms E321*, E347*, E359*, E379*, E391*, E396*.
Identifiers: ClinVar variation 4814806 (VCV004814806.1).

ClinVar aggregate classification (germline): Likely pathogenic (1 of 4 stars; one submission).

Conditions:
Smith-Lemli-Opitz syndrome (SLOS). Also called: LETHAL ACRODYSGENITAL SYNDROME; POLYDACTYLY, SEX REVERSAL, RENAL HYPOPLASIA, AND UNILOBAR LUNG; RSH SYNDROME; RUTLEDGE LETHAL MULTIPLE CONGENITAL ANOMALY SYNDROME; 7-Dehydrocholesterol reductase deficiency. Identifiers: Orphanet 818, MedGen C0175694, MONDO:0010035, OMIM 270400.

Submission:

Natera, Inc.
Classification: Likely pathogenic for Smith-Lemli-Opitz syndrome. Last evaluated: 2025-10-05. Review status: criteria provided, single submitter. Criteria: Natera Variant Classification Schema (03/2026). Collection method: clinical testing. Allele origin: germline.
Comment: The c.1135G>T variant in DHCR7 is a nonsense variant predicted to introduce a stop codon at amino acid 379. This variant is expected to result in nonsense mediated decay, truncation, or a dysfunctional protein product. This variant is rare in the general population with a frequency below the threshold expected for the associated phenotype(s). Given the available evidence, this variant is classified as Likely Pathogenic.